The following is an entry in ClinVar:

ClinVar aggregate classification (germline): Uncertain significance (1 of 4 stars; one submission).

Conditions:
Aortic valve disease 2 (AOVD2). Identifiers: MedGen C3542024, MONDO:0013902, OMIM 614823.

Submission:

Labcorp Genetics (formerly Invitae), Labcorp
Classification: Uncertain significance for Aortic valve disease 2. Last evaluated: 2022-08-23. Review status: criteria provided, single submitter. Criteria: Invitae Variant Classification Sherloc (09022015). Collection method: clinical testing. Allele origin: germline.
Comment: In summary, the available evidence is currently insufficient to determine the role of this variant in disease. Therefore, it has been classified as a Variant of Uncertain Significance. Algorithms developed to predict the effect of missense changes on protein structure and function are either unavailable or do not agree on the potential impact of this missense change (SIFT: "Tolerated"; PolyPhen-2: "Probably Damaging"; Align-GVGD: "Class C0"). ClinVar contains an entry for this variant (Variation ID: 567088). This variant has not been reported in the literature in individuals affected with SMAD6-related conditions. This variant is not present in population databases (gnomAD no frequency). This sequence change replaces glutamic acid, which is acidic and polar, with aspartic acid, which is acidic and polar, at codon 196 of the SMAD6 protein (p.Glu196Asp).

NM_005585.5(SMAD6):c.588G>T (p.Glu196Asp)

Gene: SMAD6 (SMAD family member 6; plus strand). Cytogenetic location: 15q22.31.
Variant type: single nucleotide variant.
Coding change: c.588G>T on transcript NM_005585.5 (MANE Select); coding-DNA position 588, G replaced by T.
Protein change: p.Glu196Asp; replaces glutamic acid 196 with aspartic acid.
Molecular consequence: missense variant. On other transcripts: non-coding transcript variant (1).
Genome position (GRCh38, 1-based): chr15:66,703,846, G>T. VCF-style: chr15-66703846-G-T. GRCh37 (hg19) VCF-style: chr15-66996184-G-T.
Other names: short protein forms E196D.
Identifiers: ClinVar variation 567088 (VCV000567088.9), dbSNP rs1567091749, ClinGen allele CA392949848.